The following is an entry in ClinVar:

NM_153704.6(TMEM67):c.651+5G>A

Gene: TMEM67 (transmembrane protein 67; plus strand). Cytogenetic location: 8q22.1.
Variant type: single nucleotide variant.
Coding change: c.651+5G>A on transcript NM_153704.6 (MANE Select); 5 bases into the intron after coding-DNA position 651, G replaced by A.
Molecular consequence: intron variant.
Genome position (GRCh38, 1-based): chr8:93,765,651, G>A. VCF-style: chr8-93765651-G-A. GRCh37 (hg19) VCF-style: chr8-94777879-G-A.
Other names: c.408+5G>A (NM_001142301.1).
Identifiers: ClinVar variation 1050836 (VCV001050836.6), dbSNP rs970248353, ClinGen allele CA181312007.

ClinVar aggregate classification (germline): Conflicting classifications of pathogenicity. Review status: criteria provided, conflicting classifications (1 of 4 stars). 4 submissions from 4 submitters: Likely pathogenic (1); Uncertain significance (3). Last evaluated 2026-03-27.

Conditions:
TMEM67-related disorder. Also called: TMEM67-related disorders; TMEM67-related condition. Identifiers: MedGen CN239423.
Meckel-Gruber syndrome. Also called: Dysencephalia splachnocystica; DYSENCEPHALIA SPLANCHNOCYSTICA; GRUBER SYNDROME. Identifiers: Orphanet 564, MedGen C0265215, MONDO:0018921.
Joubert syndrome. Also called: JOUBERT-BOLTSHAUSER SYNDROME; Familial aplasia of the vermis. Identifiers: Orphanet 475, MedGen C5979921, MONDO:0018772.
Meckel syndrome, type 3 (MKS3). Also called: MECKEL-GRUBER SYNDROME, TYPE 3. Identifiers: Orphanet 564, MedGen C1846357, MONDO:0011821, OMIM 607361.
Joubert syndrome 6 (JBTS6). Identifiers: Orphanet 475, MedGen C1853153, MONDO:0012539, OMIM 610688.
Nephronophthisis 11 (NPHP11). Identifiers: Orphanet 84081, MedGen C3150796, MONDO:0013302, OMIM 613550.
Bardet-Biedl syndrome 14 (BBS14). Identifiers: Orphanet 110, MedGen C2673874, MONDO:0014442, OMIM 615991.
RHYNS syndrome. Also called: RETINITIS PIGMENTOSA SYNDROME; RETINITIS PIGMENTOSA, HYPOPITUITARISM, NEPHRONOPHTHISIS, AND MILD SKELETAL DYSPLASIA. Identifiers: Orphanet 140976, MedGen C1865794, MONDO:0011202, OMIM 602152.
COACH syndrome 1. Identifiers: Orphanet 1454, MedGen C5435651, MONDO:0800103, OMIM 216360, MONDO:0008996.

Allele frequency attached by ClinVar (database versions not stated): gnomAD exomes below 0.00001; TOPMed 0.00004; gnomAD 0.00005 and 0.00006.
gnomAD v4.1: 9 of 1,603,284 alleles (0.00056%); highest among the groups gnomAD compares: African/African-American, 0.0094%; no homozygotes.

Submissions (4):

PreventionGenetics, part of Exact Sciences
Classification: Uncertain significance for TMEM67-related condition. Last evaluated: 2026-03-27. Review status: criteria provided, single submitter. Criteria: ACMG Guidelines, 2015. Collection method: clinical testing. Allele origin: germline.
Comment: The TMEM67 c.651+5G>A variant is predicted to interfere with splicing. This variant falls within the minimal donor splice region and is predicted to alter splicing based on available splicing prediction programs (SpliceAI, Jaganathan et al. 2019. PubMed ID: 30661751). This variant was reported in the heterozygous state along with a second heterozygous pathogenic variant in TMEM67, in an individual with Meckel-Gruber syndrome; however, phase was not reported (Szymanska et al. 2012. PubMed ID: 23351400). This variant is reported in 0.0040% of alleles in individuals of African descent in gnomAD. Although we suspect that this variant may be pathogenic, at this time, the clinical significance of this variant is uncertain due to insufficient functional and genetic evidence.

Fulgent Genetics
Classification: Likely pathogenic for COACH syndrome 1; RHYNS syndrome; Meckel syndrome, type 3; Joubert syndrome 6; Nephronophthisis 11; Bardet-Biedl syndrome 14. Last evaluated: 2024-02-10. Review status: criteria provided, single submitter. Criteria: ACMG Guidelines, 2015. Collection method: clinical testing. Allele origin: germline.

Labcorp Genetics (formerly Invitae), Labcorp
Classification: Uncertain significance for Joubert syndrome; Meckel-Gruber syndrome. Last evaluated: 2022-03-23. Review status: criteria provided, single submitter. Criteria: Invitae Variant Classification Sherloc (09022015). Collection method: clinical testing. Allele origin: germline.
Comment: In summary, the available evidence is currently insufficient to determine the role of this variant in disease. Therefore, it has been classified as a Variant of Uncertain Significance. Variants that disrupt the consensus splice site are a relatively common cause of aberrant splicing (PMID: 17576681, 9536098). Algorithms developed to predict the effect of sequence changes on RNA splicing suggest that this variant may disrupt the consensus splice site. ClinVar contains an entry for this variant (Variation ID: 1050836). This variant has been observed in individual(s) with clinical features of TMEM67-related conditions (PMID: 23351400). This variant is present in population databases (no rsID available, gnomAD 0.004%). This sequence change falls in intron 6 of the TMEM67 gene. It does not directly change the encoded amino acid sequence of the TMEM67 protein. It affects a nucleotide within the consensus splice site.

Women's Health and Genetics/Laboratory Corporation of America, LabCorp
Classification: Uncertain significance. Last evaluated: 2021-03-26. Review status: criteria provided, single submitter. Criteria: LabCorp Variant Classification Summary - May 2015. Collection method: clinical testing. Allele origin: germline.
Comment: Variant summary: TMEM67 c.651+5G>A alters a conserved nucleotide located close to a canonical splice site and therefore could affect mRNA splicing, leading to a significantly altered protein sequence. Several computational tools predict a significant impact on normal splicing: Four predict the variant abolishes the canonical 5' splicing donor site. However, these predictions have yet to be confirmed by functional studies. The variant allele was found at a frequency of 4e-06 in 251114 control chromosomes. c.651+5G>A has been reported in the literature as a compound heterozygous genotype in at-least one comprehensively genotyped non-consanguineous individual affected with features of Joubert Syndrome And Related Disorders (namely Meckel-Gruber syndrome or Meckel-Gruber like syndrome, example, Szymanska_2012). This individual was reportedly genotyped for seven of the nine known Meckel-Gruber syndrome genes. However, these data do not allow any firm conclusion about variant significance. To our knowledge, no experimental evidence demonstrating an impact on protein function has been reported. No clinical diagnostic laboratories have submitted clinical-significance assessments for this variant to ClinVar after 2014. Based on the evidence outlined above, until additional clinical reports and functional evidence are identified, the variant was classified as VUS-possibly pathogenic.

Literature cited by the submitters: PubMed 17576681 (cited by Labcorp Genetics (formerly Invitae), Labcorp); PubMed 9536098 (cited by Labcorp Genetics (formerly Invitae), Labcorp); PubMed 23351400 (cited by Labcorp Genetics (formerly Invitae), Labcorp and Women's Health and Genetics/Laboratory Corporation of America, LabCorp).